The following is an entry in ClinVar:

ClinVar aggregate classification (germline): Pathogenic (1 of 4 stars; one submission).

Submission:

Labcorp Genetics (formerly Invitae), Labcorp
Classification: Pathogenic. Last evaluated: 2025-05-06. Review status: criteria provided, single submitter. Criteria: Invitae Variant Classification Sherloc (09022015). Collection method: clinical testing. Allele origin: germline.
Comment: This sequence change creates a premature translational stop signal (p.Glu1318*) in the PCNT gene. It is expected to result in an absent or disrupted protein product. Loss-of-function variants in PCNT are known to be pathogenic (PMID: 18174396, 22821869). This variant is not present in population databases (gnomAD no frequency). This variant has not been reported in the literature in individuals affected with PCNT-related conditions. For these reasons, this variant has been classified as Pathogenic.

Literature cited by the submitters: PubMed 18174396; PubMed 22821869.

NM_006031.6(PCNT):c.3952G>T (p.Glu1318Ter)

Gene: PCNT (pericentrin; plus strand). Cytogenetic location: 21q22.3.
Variant type: single nucleotide variant.
Coding change: c.3952G>T on transcript NM_006031.6 (MANE Select); coding-DNA position 3952, G replaced by T.
Protein change: p.Glu1318Ter; replaces glutamic acid 1318 with a stop codon.
Molecular consequence: nonsense.
Genome position (GRCh38, 1-based): chr21:46,390,781, G>T. VCF-style: chr21-46390781-G-T. GRCh37 (hg19) VCF-style: chr21-47810696-G-T.
Other names: c.3598G>T, p.Glu1200Ter (NM_001315529.2); short protein forms E1318*, E1200*.
Identifiers: ClinVar variation 4718917 (VCV004718917.1).